The following is an entry in ClinVar:

NM_000245.4(MET):c.3880G>A (p.Val1294Ile)

Gene: MET (MET proto-oncogene, receptor tyrosine kinase; plus strand). Cytogenetic location: 7q31.2.
Variant type: single nucleotide variant.
Coding change: c.3880G>A on transcript NM_000245.4 (MANE Select); coding-DNA position 3880, G replaced by A.
Protein change: p.Val1294Ile; replaces valine 1294 with isoleucine.
Molecular consequence: missense variant.
Genome position (GRCh38, 1-based): chr7:116,795,736, G>A. VCF-style: chr7-116795736-G-A. GRCh37 (hg19) VCF-style: chr7-116435790-G-A.
Other names: c.3934G>A, p.Val1312Ile (NM_001127500.3); c.2590G>A, p.Val864Ile (NM_001324402.2); short protein forms V1294I, V864I, V1312I.
Identifiers: ClinVar variation 824400 (VCV000824400.16), dbSNP rs1263785859, ClinGen allele CA369117897.

ClinVar aggregate classification (germline): Uncertain significance. Review status: criteria provided, multiple submitters, no conflicts (2 of 4 stars). 4 submissions from 4 submitters: Uncertain significance (4). Last evaluated 2026-01-13.

Conditions:
Renal cell carcinoma. Identifiers: Orphanet 217071, MedGen C0007134, MeSH D002292, MONDO:0005086, HP:0005584.
Autosomal recessive nonsyndromic hearing loss 97. Also called: Deafness, autosomal recessive 97. Identifiers: Orphanet 90636, MedGen C4084709, MONDO:0014739, OMIM 616705.
Hereditary cancer-predisposing syndrome. Also called: Neoplastic Syndromes, Hereditary; Tumor predisposition; Hereditary neoplastic syndrome; Hereditary Cancer Syndrome. Identifiers: Orphanet 140162, MedGen C0027672, MeSH D009386, MONDO:0015356.

Allele frequency attached by ClinVar (database versions not stated): gnomAD exomes below 0.00001; gnomAD 0.00002; TOPMed 0.00002.
gnomAD v4.1: 5 of 1,614,018 alleles (0.00031%); highest among the groups gnomAD compares: African/African-American, 0.0067%; no homozygotes.

Submissions (4):

Labcorp Genetics (formerly Invitae), Labcorp
Classification: Uncertain significance for Renal cell carcinoma. Last evaluated: 2026-01-13. Review status: criteria provided, single submitter. Criteria: Invitae Variant Classification Sherloc (09022015). Collection method: clinical testing. Allele origin: germline.
Comment: This sequence change replaces valine, which is neutral and non-polar, with isoleucine, which is neutral and non-polar, at codon 1312 of the MET protein (p.Val1312Ile). This variant is present in population databases (no rsID available, gnomAD 0.01%). This variant has not been reported in the literature in individuals affected with MET-related conditions. ClinVar contains an entry for this variant (Variation ID: 824400). Invitae Evidence Modeling of protein sequence and biophysical properties (such as structural, functional, and spatial information, amino acid conservation, physicochemical variation, residue mobility, and thermodynamic stability) indicates that this missense variant is not expected to disrupt MET protein function with a negative predictive value of 80%. In summary, the available evidence is currently insufficient to determine the role of this variant in disease. Therefore, it has been classified as a Variant of Uncertain Significance.

Ambry Genetics
Classification: Uncertain significance for Hereditary cancer-predisposing syndrome. Last evaluated: 2025-11-13. Review status: criteria provided, single submitter. Criteria: Ambry Variant Classification Scheme 2023. Collection method: clinical testing. Allele origin: germline.
Comment: The p.V1312I variant (also known as c.3934G>A), located in coding exon 19 of the MET gene, results from a G to A substitution at nucleotide position 3934. The valine at codon 1312 is replaced by isoleucine, an amino acid with highly similar properties. This amino acid position is well conserved in available vertebrate species. In addition, this alteration is predicted to be tolerated by in silico analysis. Since supporting evidence is limited at this time, the clinical significance of this alteration remains unclear.

Baylor Genetics
Classification: Uncertain significance for Autosomal recessive nonsyndromic hearing loss 97. Last evaluated: 2023-09-25. Review status: criteria provided, single submitter. Criteria: ACMG Guidelines, 2015. Collection method: clinical testing. Allele origin: unknown.

GeneDx
Classification: Uncertain significance. Last evaluated: 2021-06-18. Review status: criteria provided, single submitter. Criteria: GeneDx Variant Classification Process June 2021. Collection method: clinical testing. Allele origin: germline. Affected: yes.
Comment: Not observed at significant frequency in large population cohorts (Lek 2016); In silico analysis supports that this missense variant does not alter protein structure/function; Has not been previously published as pathogenic or benign to our knowledge; This variant is associated with the following publications: (PMID: 27535533, 20949619)